The following is an entry in ClinVar:

NM_000124.4(ERCC6):c.2776del (p.Ala926fs)

Genes: ERCC6 (ERCC excision repair 6, chromatin remodeling factor; minus strand), LOC126860933 (BRD4-independent group 4 enhancer GRCh37_chr10:50679962-50681161; plus strand). Cytogenetic location: 10q11.23.
Variant type: Deletion.
Coding change: c.2776del on transcript NM_000124.4 (MANE Select); coding-DNA position 2776, one base deleted (G; older notation c.2776delG).
Protein change: p.Ala926fs; shifts the reading frame from alanine 926.
Molecular consequence: frameshift variant.
Genome position (GRCh38, 1-based): chr10:49,472,962, C deleted on the plus strand (G on the coding strand, the reverse complement: ERCC6 is on the minus strand); the first of 5 consecutive C bases (chr10:49,472,962-49,472,966); deleting any one gives the same sequence. VCF-style (leftmost placement, unchanged base first): chr10-49472961-GC-G. GRCh37 (hg19) VCF-style: chr10-50681007-GC-G.
Other names: c.2776del, p.Ala926fs (NM_001346440.2); short protein forms A926fs.
Identifiers: ClinVar variation 1416690 (VCV001416690.6), dbSNP rs1238035020, ClinGen allele CA469601500.

ClinVar aggregate classification (germline): Pathogenic (1 of 4 stars; one submission).

Submission:

Labcorp Genetics (formerly Invitae), Labcorp
Classification: Pathogenic. Last evaluated: 2021-05-30. Review status: criteria provided, single submitter. Criteria: Invitae Variant Classification Sherloc (09022015). Collection method: clinical testing. Allele origin: germline.
Comment: For these reasons, this variant has been classified as Pathogenic. This variant has not been reported in the literature in individuals with ERCC6-related conditions. This variant is not present in population databases (ExAC no frequency). This sequence change creates a premature translational stop signal (p.Ala926Glnfs*26) in the ERCC6 gene. It is expected to result in an absent or disrupted protein product. Loss-of-function variants in ERCC6 are known to be pathogenic (PMID: 18628313, 29572252).

Literature cited by the submitters: PubMed 18628313; PubMed 29572252.